The following is an entry in ClinVar:

NM_001277115.2(DNAH11):c.9301A>G (p.Asn3101Asp)

Gene: DNAH11 (dynein axonemal heavy chain 11; plus strand). Cytogenetic location: 7p15.3.
Variant type: single nucleotide variant.
Coding change: c.9301A>G on transcript NM_001277115.2 (MANE Select); coding-DNA position 9301, A replaced by G.
Protein change: p.Asn3101Asp; replaces asparagine 3101 with aspartic acid.
Molecular consequence: missense variant.
Genome position (GRCh38, 1-based): chr7:21,773,964, A>G. VCF-style: chr7-21773964-A-G. GRCh37 (hg19) VCF-style: chr7-21813582-A-G.
Other names: c.9301A>G (NM_001277115.1); c.9322A>G, p.Asn3108Asp (NM_003777.3); short protein forms N3101D, N3108D.
Identifiers: ClinVar variation 2791827 (VCV002791827.4), dbSNP rs372462580, ClinGen allele CA4181916.

ClinVar aggregate classification (germline): Conflicting classifications of pathogenicity. Review status: criteria provided, conflicting classifications (1 of 4 stars). 2 submissions from 2 submitters: Uncertain significance (1); Likely benign (1). Last evaluated 2025-06-16.

Conditions:
Primary ciliary dyskinesia. Also called: Ciliary dyskinesia. Identifiers: Orphanet 244, MedGen C0008780, MONDO:0016575, HP:0012265.

Allele frequency attached by ClinVar (database versions not stated): gnomAD 0.00001; gnomAD exomes 0.00002; TOPMed 0.00002; ExAC 0.00003; ESP Exome Variant Server 0.00008.
gnomAD v4.1: 28 of 1,576,278 alleles (0.0018%); highest among the groups gnomAD compares: Non-Finnish European, 0.0023%; no homozygotes.

Submissions (2):

Labcorp Genetics (formerly Invitae), Labcorp
Classification: Likely benign for Primary ciliary dyskinesia. Last evaluated: 2025-06-16. Review status: criteria provided, single submitter. Criteria: Invitae Variant Classification Sherloc (09022015). Collection method: clinical testing. Allele origin: germline.

Ambry Genetics
Classification: Uncertain significance for Primary ciliary dyskinesia. Last evaluated: 2025-06-09. Review status: criteria provided, single submitter. Criteria: Ambry Variant Classification Scheme 2023. Collection method: clinical testing. Allele origin: germline.
Comment: The p.N3101D variant (also known as c.9301A>G), located in coding exon 56 of the DNAH11 gene, results from an A to G substitution at nucleotide position 9301. The asparagine at codon 3101 is replaced by aspartic acid, an amino acid with highly similar properties. This amino acid position is conserved. In addition, this alteration is predicted to be tolerated by in silico analysis. Based on the available evidence, the clinical significance of this variant remains unclear.